The following is an entry in ClinVar:

ClinVar aggregate classification (germline): Likely benign (0 of 4 stars; one submission).

Conditions:
NLRP1-related disorder. Also called: NLRP1-related condition.

Submission:

PreventionGenetics, part of Exact Sciences
Classification: Likely benign for NLRP1-related condition. Last evaluated: 2020-03-19. Review status: no assertion criteria provided. Collection method: clinical testing. Allele origin: germline.
Comment: This variant is classified as likely benign based on ACMG/AMP sequence variant interpretation guidelines (Richards et al. 2015 PMID: 25741868, with internal and published modifications).

NM_033004.4(NLRP1):c.449-3dup

Gene: NLRP1 (NLR family pyrin domain containing 1; minus strand). Cytogenetic location: 17p13.2.
Variant type: Duplication.
Coding change: c.449-3dup on transcript NM_033004.4 (MANE Select); 3 bases into the intron before coding-DNA position 449, one base duplicated (C; older notation c.449-3dupC).
Molecular consequence: intron variant.
Genome position (GRCh38, 1-based): chr17:5,582,065, G duplicated on the plus strand (C on the coding strand, the reverse complement: NLRP1 is on the minus strand); the first of 6 consecutive G bases (chr17:5,582,065-5,582,070); duplicating any one gives the same sequence. VCF-style (leftmost placement, unchanged base first): chr17-5582064-T-TG. GRCh37 (hg19) VCF-style: chr17-5485384-T-TG.
Other names: c.449-3dup (NM_001033053.3, NM_033007.4, NM_033006.4 and 1 more transcripts).
Identifiers: ClinVar variation 3047248 (VCV003047248.2), dbSNP rs1010176101, ClinGen allele CA287291702.